The following is an entry in ClinVar:

ClinVar aggregate classification (germline): Likely pathogenic (1 of 4 stars; one submission).

Conditions:
Glycogen storage disease type III (GSD3). Also called: FORBES DISEASE; Cori disease. Identifiers: Orphanet 366, MedGen C0017922, MONDO:0009291, OMIM 232400.

Submission:

Myriad Genetics, Inc.
Classification: Likely pathogenic for Glycogen storage disease type III. Last evaluated: 2021-12-30. Review status: criteria provided, single submitter. Criteria: Myriad Women's Health Autosomal Recessive and X-Linked Classification Criteria (2021). Collection method: clinical testing. Allele origin: unknown.
Comment: NM_000642.2(AGL):c.2062_2065delAACA(N688Qfs*41) is expected to be pathogenic in the context of glycogen storage disease type III. This variant is predicted to lead to an abnormal or absent protein product due to the creation of a premature termination codon in AGL, a gene where loss-of-function variants are known to be pathogenic. Please note: this variant was assessed in the context of healthy population screening.

NM_000642.3(AGL):c.2062_2065del (p.Asn688fs)

Gene: AGL (amylo-alpha-1,6-glucosidase and 4-alpha-glucanotransferase; plus strand). Cytogenetic location: 1p21.2.
Variant type: Deletion.
Coding change: c.2062_2065del on transcript NM_000642.3 (MANE Select); coding-DNA positions 2062 to 2065, 4 bases deleted (AACA; older notation c.2062_2065delAACA).
Protein change: p.Asn688fs; shifts the reading frame from asparagine 688.
Molecular consequence: frameshift variant.
Genome position (GRCh38, 1-based): chr1:99,881,352-99,881,355, AACA deleted; deleting any 4 consecutive bases within chr1:99,881,350-99,881,355 gives the same sequence; the c. name uses the placement nearest the transcript's 3' end. VCF-style (leftmost placement, unchanged base first): chr1-99881349-TCAAA-T. GRCh37 (hg19) VCF-style: chr1-100346905-TCAAA-T.
Other names: c.2062_2065delAACA, p.Asn688Glnfs (NM_000028.3, NM_000643.3, NM_000644.3 and 2 more transcripts); c.2014_2017delAACA, p.Asn672Glnfs (NM_000646.3); c.1861_1864delAACA, p.Asn621Glnfs (NM_001425327.1); c.1858_1861delAACA, p.Asn620Glnfs (NM_001425328.1, NM_001425329.1); c.1684_1687delAACA, p.Asn562Glnfs (NM_001425332.1); short protein forms N672fs, N688fs.
Identifiers: ClinVar variation 1726669 (VCV001726669.2), dbSNP rs2524651345, ClinGen allele CA2580063404.